The following is an entry in ClinVar:

ClinVar aggregate classification (germline): Benign/Likely benign. Review status: criteria provided, multiple submitters, no conflicts (2 of 4 stars). 3 submissions from 3 submitters: Benign (1); Likely benign (2). Last evaluated 2025-08-29.

Conditions:
POLD1-related polyposis and colorectal cancer syndrome (CRCS10). Also called: Colorectal cancer 10; COLORECTAL CANCER, SUSCEPTIBILITY TO, ON CHROMOSOME 19q; Colorectal cancer, susceptibility to, 10. Identifiers: Orphanet 220460, MedGen C2675481, MONDO:0012953, OMIM 612591.
Hereditary cancer-predisposing syndrome. Also called: Tumor predisposition; Neoplastic Syndromes, Hereditary; Hereditary Cancer Syndrome; Hereditary neoplastic syndrome. Identifiers: Orphanet 140162, MedGen C0027672, MeSH D009386, MONDO:0015356.

Submissions (3):

Ambry Genetics
Classification: Likely benign for Hereditary cancer-predisposing syndrome. Last evaluated: 2025-08-29. Review status: criteria provided, single submitter. Criteria: Ambry Variant Classification Scheme 2023. Collection method: clinical testing. Allele origin: germline.

Myriad Genetics, Inc.
Classification: Benign for POLD1-related polyposis and colorectal cancer syndrome. Last evaluated: 2025-02-05. Review status: criteria provided, single submitter. Criteria: Myriad Autosomal Dominant, Autosomal Recessive and X-Linked Classification Criteria (2023). Collection method: clinical testing. Allele origin: unknown.
Comment: This variant is considered benign. This variant is a silent/synonymous amino acid change and it is not expected to impact splicing.

Labcorp Genetics (formerly Invitae), Labcorp
Classification: Likely benign for POLD1-related polyposis and colorectal cancer syndrome. Last evaluated: 2022-08-06. Review status: criteria provided, single submitter. Criteria: Invitae Variant Classification Sherloc (09022015). Collection method: clinical testing. Allele origin: germline.

NM_002691.4(POLD1):c.1119G>A (p.Lys373=)

Gene: POLD1 (DNA polymerase delta 1, catalytic subunit; plus strand). Cytogenetic location: 19q13.33.
Variant type: single nucleotide variant.
Coding change: c.1119G>A on transcript NM_002691.4 (MANE Select); coding-DNA position 1119, G replaced by A.
Protein change: p.Lys373=; no amino-acid change (lysine 373 retained).
Molecular consequence: synonymous variant. On other transcripts: non-coding transcript variant (1).
Genome position (GRCh38, 1-based): chr19:50,403,201, G>A. VCF-style: chr19-50403201-G-A. GRCh37 (hg19) VCF-style: chr19-50906458-G-A.
Other names: c.1119G>A, p.Lys373= (NM_001256849.1, NM_001308632.1); c.1119G>A (NM_002691.2).
Identifiers: ClinVar variation 2022093 (VCV002022093.6), dbSNP rs2513974090, ClinGen allele CA508182809.